The following is an entry in ClinVar:

ClinVar aggregate classification (germline): Likely benign (1 of 4 stars; one submission).

gnomAD v4.1: 57 of 208,324 alleles (0.027%); highest among the groups gnomAD compares: Admixed American, 0.16%; no homozygotes.

Submission:

CeGaT Center for Human Genetics Tuebingen
Classification: Likely benign. Last evaluated: 2025-12-01. Review status: criteria provided, single submitter. Criteria: CeGaT Center For Human Genetics Tuebingen Variant Classification Criteria Version 2. Collection method: clinical testing. Allele origin: germline. Affected: yes. Observed: 1 variant allele.
Comment: KCNQ1OT1: BS1

NM_000218.3(KCNQ1):c.1393+21901A>C

Genes: KCNQ1 (potassium voltage-gated channel subfamily Q member 1; plus strand), KCNQ1OT1 (KCNQ1 opposite strand/antisense transcript 1; minus strand). Cytogenetic location: 11p15.5.
Variant type: single nucleotide variant.
Coding change: c.1393+21901A>C on transcript NM_000218.3 (MANE Select); 21901 bases into the intron after coding-DNA position 1393, A replaced by C.
Molecular consequence: intron variant. On other transcripts: non-coding transcript variant (1).
Genome position (GRCh38, 1-based): chr11:2,610,755, A>C. VCF-style: chr11-2610755-A-C. GRCh37 (hg19) VCF-style: chr11-2631985-A-C.
Other names: c.1123+21901A>C (NM_001406837.1); c.1297+21901A>C (NM_001406836.1); c.853+21901A>C (NM_001406838.1); c.1012+21901A>C (NM_181798.2).
Identifiers: ClinVar variation 4822595 (VCV004822595.4).